The following is an entry in ClinVar:

ClinVar aggregate classification (germline): Uncertain significance (1 of 4 stars; one submission).

Allele frequency attached by ClinVar (database versions not stated): gnomAD 0.00002; gnomAD exomes 0.00002; TOPMed 0.00002; ExAC 0.00004.
gnomAD v4.1: 26 of 1,613,986 alleles (0.0016%); highest among the groups gnomAD compares: South Asian, 0.02%; 2 homozygotes.

Submission:

Labcorp Genetics (formerly Invitae), Labcorp
Classification: Uncertain significance. Last evaluated: 2022-08-21. Review status: criteria provided, single submitter. Criteria: Invitae Variant Classification Sherloc (09022015). Collection method: clinical testing. Allele origin: germline.
Comment: This sequence change replaces arginine, which is basic and polar, with glutamine, which is neutral and polar, at codon 3116 of the PCNT protein (p.Arg3116Gln). This variant is present in population databases (rs748256610, gnomAD 0.02%). This variant has not been reported in the literature in individuals affected with PCNT-related conditions. Algorithms developed to predict the effect of missense changes on protein structure and function output the following: SIFT: "Tolerated"; PolyPhen-2: "Benign"; Align-GVGD: "Class C0". The glutamine amino acid residue is found in multiple mammalian species, which suggests that this missense change does not adversely affect protein function. In summary, the available evidence is currently insufficient to determine the role of this variant in disease. Therefore, it has been classified as a Variant of Uncertain Significance.

NM_006031.6(PCNT):c.9347G>A (p.Arg3116Gln)

Gene: PCNT (pericentrin; plus strand). Cytogenetic location: 21q22.3.
Variant type: single nucleotide variant.
Coding change: c.9347G>A on transcript NM_006031.6 (MANE Select); coding-DNA position 9347, G replaced by A.
Protein change: p.Arg3116Gln; replaces arginine 3116 with glutamine.
Molecular consequence: missense variant.
Genome position (GRCh38, 1-based): chr21:46,440,156, G>A. VCF-style: chr21-46440156-G-A. GRCh37 (hg19) VCF-style: chr21-47860069-G-A.
Other names: c.8756G>A, p.Arg2919Gln (NM_001315529.2); short protein forms R2919Q, R3116Q.
Identifiers: ClinVar variation 2192859 (VCV002192859.1), dbSNP rs748256610, ClinGen allele CA10081298.